The following is an entry in ClinVar:

NM_007315.4(STAT1):c.1687G>C (p.Glu563Gln)

Gene: STAT1 (signal transducer and activator of transcription 1; minus strand). Cytogenetic location: 2q32.2.
Variant type: single nucleotide variant.
Coding change: c.1687G>C on transcript NM_007315.4 (MANE Select); coding-DNA position 1687, G replaced by C.
Protein change: p.Glu563Gln; replaces glutamic acid 563 with glutamine.
Molecular consequence: missense variant.
Genome position (GRCh38, 1-based): chr2:190,979,812, C>G on the plus strand (G>C on the coding strand, the complement: STAT1 is on the minus strand). VCF-style: chr2-190979812-C-G. GRCh37 (hg19) VCF-style: chr2-191844538-C-G.
Other names: c.1528G>C, p.Glu510Gln (NM_001384885.1); c.1687G>C, p.Glu563Gln (NM_001384886.1, NM_001384889.1, NM_139266.3); c.1594G>C, p.Glu532Gln (NM_001384887.1); c.1657G>C, p.Glu553Gln (NM_001384888.1); c.1597G>C, p.Glu533Gln (NM_001384890.1); c.1723G>C, p.Glu575Gln (NM_001384891.1); c.1627G>C, p.Glu543Gln (NM_001384880.1); c.1693G>C, p.Glu565Gln (NM_001384881.1, NM_001384884.1); and 2 more; short protein forms E530Q, E553Q, E561Q, E532Q, E575Q, E543Q, E563Q, E565Q.
Identifiers: ClinVar variation 1407128 (VCV001407128.8), dbSNP rs2125010416, ClinGen allele CA349914183.

ClinVar aggregate classification (germline): Uncertain significance (1 of 4 stars; one submission).

Conditions:
Mendelian susceptibility to mycobacterial diseases due to partial STAT1 deficiency. Also called: IMMUNODEFICIENCY 31A, MYCOBACTERIOSIS, AUTOSOMAL DOMINANT; STAT1 DEFICIENCY, AUTOSOMAL DOMINANT; Immunodeficiency 31a. Identifiers: Orphanet 319595, MedGen C4013950, MONDO:0013956, OMIM 614892.
Immunodeficiency 31B. Also called: STAT1 DEFICIENCY, AUTOSOMAL RECESSIVE; IMMUNODEFICIENCY 31B, MYCOBACTERIAL AND VIRAL INFECTIONS, AUTOSOMAL RECESSIVE. Identifiers: Orphanet 391311, MedGen C3151088, MONDO:0013427, OMIM 613796.
Autoimmune enteropathy and endocrinopathy - susceptibility to chronic infections syndrome. Also called: Immunodeficiency 31C, autosomal dominant; Immunodeficiency 31C. Identifiers: Orphanet 391487, MedGen C3279990, MONDO:0013599, OMIM 614162.

Submission:

Labcorp Genetics (formerly Invitae), Labcorp
Classification: Uncertain significance for Mendelian susceptibility to mycobacterial diseases due to partial STAT1 deficiency; Immunodeficiency 31B; Autoimmune enteropathy and endocrinopathy - susceptibility to chronic infections syndrome. Last evaluated: 2022-06-13. Review status: criteria provided, single submitter. Criteria: Invitae Variant Classification Sherloc (09022015). Collection method: clinical testing. Allele origin: germline.
Comment: This sequence change replaces glutamic acid, which is acidic and polar, with glutamine, which is neutral and polar, at codon 563 of the STAT1 protein (p.Glu563Gln). This variant is not present in population databases (gnomAD no frequency). This variant has not been reported in the literature in individuals affected with STAT1-related conditions. Algorithms developed to predict the effect of missense changes on protein structure and function are either unavailable or do not agree on the potential impact of this missense change (SIFT: "Tolerated"; PolyPhen-2: "Possibly Damaging"; Align-GVGD: "Class C0"). Algorithms developed to predict the effect of sequence changes on RNA splicing suggest that this variant may create or strengthen a splice site. In summary, the available evidence is currently insufficient to determine the role of this variant in disease. Therefore, it has been classified as a Variant of Uncertain Significance.